The following is an entry in ClinVar:

ClinVar aggregate classification (germline): Pathogenic (1 of 4 stars; one submission).

Conditions:
Inborn genetic diseases. Identifiers: MedGen C0950123, MeSH D030342.

Submission:

Ambry Genetics
Classification: Pathogenic for Inborn genetic diseases. Last evaluated: 2014-09-12. Review status: criteria provided, single submitter. Criteria: Ambry Variant Classification Scheme 2023. Collection method: clinical testing. Allele origin: germline.
Comment: The c.1136del () alteration, located in exon 9 (coding exon 8) of the THRA gene, consists of a deletion of one nucleotide at position 1136, causing a translational frameshift with a predicted alternate stop codon after amino acids. Frameshift alterations are typically deleterious in nature (Richards, 2015). The alteration is not observed in healthy cohorts:_x000D_ Based on data from the NHLBI Exome Sequencing Project (ESP), the THRA c.1136DEL alteration was not observed among 6482 individuals tested. Allele frequency data for this nucleotide position are not currently available from the 1000 Genomes Project and the alteration is not currently listed in the Database of Single Nucleotide Polymorphisms (dbSNP). (Moran, 2013). The 1136C nucleotide position is very highly conserved on sequence alignment in available vertebrate species Based on the available evidence, this alteration is classified as pathogenic.

NM_199334.5(THRA):c.1137del (p.Cys380fs)

Gene: THRA (thyroid hormone receptor alpha; plus strand). Cytogenetic location: 17q21.1.
Variant type: Deletion.
Coding change: c.1137del on transcript NM_199334.5 (MANE Select); coding-DNA position 1137, one base deleted (C; older notation c.1137delC).
Protein change: p.Cys380fs; shifts the reading frame from cysteine 380.
Molecular consequence: frameshift variant. On other transcripts: intron variant (3).
Genome position (GRCh38, 1-based): chr17:40,089,360, C deleted; the last of 2 consecutive C bases (chr17:40,089,359-40,089,360); deleting either gives the same sequence. VCF-style (leftmost placement, unchanged base first): chr17-40089358-GC-G. GRCh37 (hg19) VCF-style: chr17-38245611-GC-G.
Other names: c.1110+27del (NM_001190919.2, NM_003250.6, NM_001190918.2); short protein forms C380fs.
Identifiers: ClinVar variation 520565 (VCV000520565.4), dbSNP rs746765465, ClinGen allele CA8539301.
Genomic context (GRCh38, chr17:40,089,358, plus strand): 5'-AACATTCCGCACTTCTGGCCCAAGCTGCTGATGAAGGTGACTGACCTCCGCATGATCGGG[GC>G]CTGCCACGCCAGCCGCTTCCTCCACATGAAAGTCGAGTGCCCCACCGAACTCTTCCCCCC-3'